The following is an entry in ClinVar:

NM_020066.5(FMN2):c.613C>T (p.Leu205=)

Gene: FMN2 (formin 2; plus strand). Cytogenetic location: 1q43.
Variant type: single nucleotide variant.
Coding change: c.613C>T on transcript NM_020066.5 (MANE Select); coding-DNA position 613, C replaced by T.
Protein change: p.Leu205=; no amino-acid change (leucine 205 retained).
Molecular consequence: synonymous variant.
Genome position (GRCh38, 1-based): chr1:240,092,722, C>T. VCF-style: chr1-240092722-C-T. GRCh37 (hg19) VCF-style: chr1-240256022-C-T.
Other names: c.613C>T, p.Leu205= (NM_001305424.2, NM_001348094.2).
Identifiers: ClinVar variation 3778350 (VCV003778350.7).

ClinVar aggregate classification (germline): Likely benign (1 of 4 stars; one submission).

gnomAD v4.1: 2 of 1,613,502 alleles (0.00012%); highest among the groups gnomAD compares: Middle Eastern, 0.033%; no homozygotes.

Submission:

CeGaT Center for Human Genetics Tuebingen
Classification: Likely benign. Last evaluated: 2025-03-01. Review status: criteria provided, single submitter. Criteria: CeGaT Center For Human Genetics Tuebingen Variant Classification Criteria Version 2. Collection method: clinical testing. Allele origin: germline. Affected: yes. Observed: 1 variant allele.
Comment: FMN2: BP4, BP7